The following is an entry in ClinVar:

ClinVar aggregate classification (germline): Benign/Likely benign. Review status: criteria provided, multiple submitters, no conflicts (2 of 4 stars). 2 submissions from 2 submitters: Benign (1); Likely benign (1). Last evaluated 2026-08-01.

Allele frequency attached by ClinVar (database versions not stated): gnomAD 0.00184 and 0.00186; ESP Exome Variant Server 0.00215; gnomAD exomes 0.00269 and 0.00183; ExAC 0.00280; 1000 Genomes Project 0.00060; 1000 Genomes Project 30x 0.00062; TOPMed 0.00152.
gnomAD v4.1: 4,155 of 1,607,544 alleles (0.26%); highest among the groups gnomAD compares: Non-Finnish European, 0.32%; 13 homozygotes.

Submissions (2):

CeGaT Center for Human Genetics Tuebingen
Classification: Benign. Last evaluated: 2026-08-01. Review status: criteria provided, single submitter. Criteria: CeGaT Center For Human Genetics Tuebingen Variant Classification Criteria Version 2. Collection method: clinical testing. Allele origin: germline. Affected: yes. Observed: 4 variant alleles.
Comment: PNKD: BS1, BS2

Center for Pediatric Genomic Medicine, Children's Mercy Hospital and Clinics
Classification: Likely benign. Last evaluated: 2017-06-02. Review status: criteria provided, single submitter. Criteria: ACMG Guidelines, 2015. Collection method: clinical testing. Allele origin: germline.

NM_015488.5(PNKD):c.236+10465G>A

Genes: PNKD (PNKD metallo-beta-lactamase domain containing; plus strand), TMBIM1 (transmembrane BAX inhibitor motif containing 1; minus strand). Cytogenetic location: 2q35.
Variant type: single nucleotide variant.
Coding change: c.236+10465G>A on transcript NM_015488.5 (MANE Select); 10465 bases into the intron after coding-DNA position 236, G replaced by A.
Molecular consequence: intron variant. On other transcripts: missense variant (9), 5 prime UTR variant (1).
Genome position (GRCh38, 1-based): chr2:218,282,014, G>A. VCF-style: chr2-218282014-G-A. GRCh37 (hg19) VCF-style: chr2-219146737-G-A.
Other names: c.128C>T, p.Pro43Leu (NM_001321427.2, NM_001321428.2, NM_001321429.2 and 6 more transcripts); c.-141C>T (NM_001321438.2); short protein forms P43L.
Identifiers: ClinVar variation 445565 (VCV000445565.27), dbSNP rs35041266, ClinGen allele CA2103743.